The following is an entry in ClinVar:

NM_000313.4(PROS1):c.718T>C (p.Ser240Pro)

Gene: PROS1 (protein S; minus strand). Cytogenetic location: 3q11.1.
Variant type: single nucleotide variant.
Coding change: c.718T>C on transcript NM_000313.4 (MANE Select); coding-DNA position 718, T replaced by C.
Protein change: p.Ser240Pro; replaces serine 240 with proline.
Molecular consequence: missense variant.
Genome position (GRCh38, 1-based): chr3:93,900,813, A>G on the plus strand (T>C on the coding strand, the complement: PROS1 is on the minus strand). VCF-style: chr3-93900813-A-G. GRCh37 (hg19) VCF-style: chr3-93619657-A-G.
Other names: c.814T>C, p.Ser272Pro (NM_001314077.2); short protein forms S240P, S272P.
Identifiers: ClinVar variation 2117546 (VCV002117546.4), dbSNP rs2472135677, ClinGen allele CA353673086.

ClinVar aggregate classification (germline): Uncertain significance (1 of 4 stars; one submission).

Conditions:
Thrombophilia due to protein S deficiency, autosomal recessive (THPH6). Identifiers: Orphanet 743, MedGen C3281092, MONDO:0013791, OMIM 614514. Disease mechanism: loss of function.

Submission:

Labcorp Genetics (formerly Invitae), Labcorp
Classification: Uncertain significance for Thrombophilia due to protein S deficiency, autosomal recessive. Last evaluated: 2022-03-26. Review status: criteria provided, single submitter. Criteria: Invitae Variant Classification Sherloc (09022015). Collection method: clinical testing. Allele origin: germline.
Comment: In summary, the available evidence is currently insufficient to determine the role of this variant in disease. Therefore, it has been classified as a Variant of Uncertain Significance. Algorithms developed to predict the effect of missense changes on protein structure and function are either unavailable or do not agree on the potential impact of this missense change (SIFT: "Deleterious"; PolyPhen-2: "Benign"; Align-GVGD: "Class C0"). This variant has not been reported in the literature in individuals affected with PROS1-related conditions. This variant is not present in population databases (gnomAD no frequency). This sequence change replaces serine, which is neutral and polar, with proline, which is neutral and non-polar, at codon 240 of the PROS1 protein (p.Ser240Pro).